The following is an entry in ClinVar:

ClinVar aggregate classification (germline): Uncertain significance (1 of 4 stars; one submission).

Allele frequency attached by ClinVar (database versions not stated): gnomAD exomes below 0.00001 and 0.00001; gnomAD 0.00001; TOPMed 0.00001.
gnomAD v4.1: 8 of 1,613,972 alleles (0.0005%); highest among the groups gnomAD compares: Admixed American, 0.0033%; no homozygotes.

Submission:

Labcorp Genetics (formerly Invitae), Labcorp
Classification: Uncertain significance. Last evaluated: 2022-10-27. Review status: criteria provided, single submitter. Criteria: Invitae Variant Classification Sherloc (09022015). Collection method: clinical testing. Allele origin: germline.
Comment: In summary, the available evidence is currently insufficient to determine the role of this variant in disease. Therefore, it has been classified as a Variant of Uncertain Significance. Advanced modeling of protein sequence and biophysical properties (such as structural, functional, and spatial information, amino acid conservation, physicochemical variation, residue mobility, and thermodynamic stability) performed at Invitae indicates that this missense variant is not expected to disrupt PDE6A protein function. ClinVar contains an entry for this variant (Variation ID: 835000). This variant has not been reported in the literature in individuals affected with PDE6A-related conditions. This variant is present in population databases (no rsID available, gnomAD 0.006%). This sequence change replaces alanine, which is neutral and non-polar, with threonine, which is neutral and polar, at codon 109 of the PDE6A protein (p.Ala109Thr).

NM_000440.3(PDE6A):c.325G>A (p.Ala109Thr)

Gene: PDE6A (phosphodiesterase 6A; minus strand). Cytogenetic location: 5q32.
Variant type: single nucleotide variant.
Coding change: c.325G>A on transcript NM_000440.3 (MANE Select); coding-DNA position 325, G replaced by A.
Protein change: p.Ala109Thr; replaces alanine 109 with threonine.
Molecular consequence: missense variant.
Genome position (GRCh38, 1-based): chr5:149,944,349, C>T on the plus strand (G>A on the coding strand, the complement: PDE6A is on the minus strand). VCF-style: chr5-149944349-C-T. GRCh37 (hg19) VCF-style: chr5-149323912-C-T.
Other names: short protein forms A109T.
Identifiers: ClinVar variation 835000 (VCV000835000.6), dbSNP rs954490455, ClinGen allele CA129059204.